The following is an entry in ClinVar:

NM_000539.3(RHO):c.219C>A (p.Asn73Lys)

Gene: RHO (rhodopsin; plus strand). Cytogenetic location: 3q22.1.
Variant type: single nucleotide variant.
Coding change: c.219C>A on transcript NM_000539.3 (MANE Select); coding-DNA position 219, C replaced by A.
Protein change: p.Asn73Lys; replaces asparagine 73 with lysine.
Molecular consequence: missense variant.
Genome position (GRCh38, 1-based): chr3:129,528,952, C>A. VCF-style: chr3-129528952-C-A. GRCh37 (hg19) VCF-style: chr3-129247795-C-A.
Other names: short protein forms N73K.
Identifiers: ClinVar variation 1004685 (VCV001004685.8), dbSNP rs374902462, ClinGen allele CA2607090.

ClinVar aggregate classification (germline): Uncertain significance (1 of 4 stars; one submission).

Allele frequency attached by ClinVar (database versions not stated): ExAC 0.00002; gnomAD 0.00002 and 0.00003; gnomAD exomes 0.00002 and 0.00007; TOPMed 0.00003; ESP Exome Variant Server 0.00008.
gnomAD v4.1: 105 of 1,614,146 alleles (0.0065%); highest among the groups gnomAD compares: Non-Finnish European, 0.0084%; no homozygotes.

Submission:

Labcorp Genetics (formerly Invitae), Labcorp
Classification: Uncertain significance. Last evaluated: 2023-04-07. Review status: criteria provided, single submitter. Criteria: Invitae Variant Classification Sherloc (09022015). Collection method: clinical testing. Allele origin: germline.
Comment: In summary, the available evidence is currently insufficient to determine the role of this variant in disease. Therefore, it has been classified as a Variant of Uncertain Significance. Advanced modeling of protein sequence and biophysical properties (such as structural, functional, and spatial information, amino acid conservation, physicochemical variation, residue mobility, and thermodynamic stability) performed at Invitae indicates that this missense variant is expected to disrupt RHO protein function. ClinVar contains an entry for this variant (Variation ID: 1004685). This missense change has been observed in individual(s) with clinical features of RHO-related conditions (Invitae). In at least one individual the data is consistent with being in trans (on the opposite chromosome) from a pathogenic variant. This variant is present in population databases (rs374902462, gnomAD 0.005%). This sequence change replaces asparagine, which is neutral and polar, with lysine, which is basic and polar, at codon 73 of the RHO protein (p.Asn73Lys).